The following is an entry in ClinVar:

ClinVar aggregate classification (germline): Uncertain significance (1 of 4 stars; one submission).

Conditions:
Cardiovascular phenotype. Identifiers: MedGen CN230736.

Submission:

Ambry Genetics
Classification: Uncertain significance for Cardiovascular phenotype. Last evaluated: 2024-07-01. Review status: criteria provided, single submitter. Criteria: Ambry Variant Classification Scheme 2023. Collection method: clinical testing. Allele origin: germline.
Comment: The p.T219N variant (also known as c.656C>A), located in coding exon 1 of the MYPN gene, results from a C to A substitution at nucleotide position 656. The threonine at codon 219 is replaced by asparagine, an amino acid with similar properties. This amino acid position is conserved. In addition, this alteration is predicted to be tolerated by in silico analysis. Based on the available evidence, the clinical significance of this variant remains unclear.

NM_032578.4(MYPN):c.656C>A (p.Thr219Asn)

Gene: MYPN (myopalladin; plus strand). Cytogenetic location: 10q21.3.
Variant type: single nucleotide variant.
Coding change: c.656C>A on transcript NM_032578.4 (MANE Select); coding-DNA position 656, C replaced by A.
Protein change: p.Thr219Asn; replaces threonine 219 with asparagine.
Molecular consequence: missense variant. On other transcripts: 5 prime UTR variant (1), non-coding transcript variant (1).
Genome position (GRCh38, 1-based): chr10:68,122,094, C>A. VCF-style: chr10-68122094-C-A. GRCh37 (hg19) VCF-style: chr10-69881851-C-A.
Other names: c.656C>A, p.Thr219Asn (NM_001256267.2); c.-467C>A (NM_001256268.2); short protein forms T219N.
Identifiers: ClinVar variation 3402020 (VCV003402020.1).
Genomic context (GRCh38, chr10:68,122,094, plus strand): 5'-TCTCAGATCTGTCAGAAAGACGAGAAAGATCTTCTGTTCCCATCCCTATCCCTGCGGATA[C>A]CAGGGATAATGAAGTGAATCACGCCCTGGAACAGCAGGAAGCCAAGAGGCGTGAAGCGGA-3'
Protein context (NP_115967.2, residues 209-229): SSVPIPIPAD[Thr219Asn]RDNEVNHALE